The following is an entry in ClinVar:

NM_001561.6(TNFRSF9):c.500C>T (p.Pro167Leu)

Gene: TNFRSF9 (TNF receptor superfamily member 9; minus strand). Cytogenetic location: 1p36.23.
Variant type: single nucleotide variant.
Coding change: c.500C>T on transcript NM_001561.6 (MANE Select); coding-DNA position 500, C replaced by T.
Protein change: p.Pro167Leu; replaces proline 167 with leucine.
Molecular consequence: missense variant.
Genome position (GRCh38, 1-based): chr1:7,935,057, G>A on the plus strand (C>T on the coding strand, the complement: TNFRSF9 is on the minus strand). VCF-style: chr1-7935057-G-A. GRCh37 (hg19) VCF-style: chr1-7995117-G-A.
Other names: short protein forms P167L.
Identifiers: ClinVar variation 1402230 (VCV001402230.7), dbSNP rs145966863, ClinGen allele CA569204.
Genomic context (GRCh38, chr1:7,935,057, plus strand): 5'-GGCATAGCCCAGTTACCTGGCTCTCTCGCAGGGGCAGGCGGGGTCACAGAGGATGCTCCC[G>A]GAGAGAGGTCGGCTGGAGATGGTCCACAGACCACGTCCCTCTCCTTCGTCCCATTCACAA-3'
Protein context (NP_001552.2, residues 157-177): VCGPSPADLS[Pro167Leu]GASSVTPPAP

ClinVar aggregate classification (germline): Uncertain significance (1 of 4 stars; one submission).

Allele frequency attached by ClinVar (database versions not stated): gnomAD exomes 0.00005; ExAC 0.00007; ESP Exome Variant Server 0.00015.
gnomAD v4.1: 41 of 1,614,104 alleles (0.0025%); highest among the groups gnomAD compares: Middle Eastern, 0.049%; 1 homozygote.

Submission:

Labcorp Genetics (formerly Invitae), Labcorp
Classification: Uncertain significance. Last evaluated: 2025-03-10. Review status: criteria provided, single submitter. Criteria: Invitae Variant Classification Sherloc (09022015). Collection method: clinical testing. Allele origin: germline.
Comment: This sequence change replaces proline, which is neutral and non-polar, with leucine, which is neutral and non-polar, at codon 167 of the TNFRSF9 protein (p.Pro167Leu). This variant is present in population databases (rs145966863, gnomAD 0.008%). This variant has not been reported in the literature in individuals affected with TNFRSF9-related conditions. ClinVar contains an entry for this variant (Variation ID: 1402230). An algorithm developed to predict the effect of missense changes on protein structure and function outputs the following: PolyPhen-2: "Benign". The leucine amino acid residue is found in multiple mammalian species, which suggests that this missense change does not adversely affect protein function. In summary, the available evidence is currently insufficient to determine the role of this variant in disease. Therefore, it has been classified as a Variant of Uncertain Significance.